The following is an entry in ClinVar:

NM_052970.5(HSPA12B):c.661G>A (p.Glu221Lys)

Gene: HSPA12B (heat shock protein family A (Hsp70) member 12B; plus strand). Cytogenetic location: 20p13.
Variant type: single nucleotide variant.
Coding change: c.661G>A on transcript NM_052970.5 (MANE Select); coding-DNA position 661, G replaced by A.
Protein change: p.Glu221Lys; replaces glutamic acid 221 with lysine.
Molecular consequence: missense variant.
Genome position (GRCh38, 1-based): chr20:3,746,017, G>A. VCF-style: chr20-3746017-G-A. GRCh37 (hg19) VCF-style: chr20-3726664-G-A.
Other names: c.658G>A, p.Glu220Lys (NM_001197327.2); c.403G>A, p.Glu135Lys (NM_001318322.2); short protein forms E135K, E220K, E221K.
Identifiers: ClinVar variation 3387974 (VCV003387974.14).

ClinVar aggregate classification (germline): Benign (1 of 4 stars; one submission).

gnomAD v4.1: 15,789 of 1,613,750 alleles (0.98%); highest among the groups gnomAD compares: Non-Finnish European, 1.2%; 95 homozygotes.

Submission:

CeGaT Center for Human Genetics Tuebingen
Classification: Benign. Last evaluated: 2024-10-01. Review status: criteria provided, single submitter. Criteria: CeGaT Center For Human Genetics Tuebingen Variant Classification Criteria Version 2. Collection method: clinical testing. Allele origin: germline. Affected: yes. Observed: 1 variant allele.
Comment: HSPA12B: BS1, BS2